The following is an entry in ClinVar:

NM_001360.3(DHCR7):c.1039G>A (p.Gly347Ser)

Gene: DHCR7 (7-dehydrocholesterol reductase; minus strand). Cytogenetic location: 11q13.4.
Variant type: single nucleotide variant.
Coding change: c.1039G>A on transcript NM_001360.3 (MANE Select); coding-DNA position 1039, G replaced by A.
Protein change: p.Gly347Ser; replaces glycine 347 with serine.
Molecular consequence: missense variant.
Genome position (GRCh38, 1-based): chr11:71,435,764, C>T on the plus strand (G>A on the coding strand, the complement: DHCR7 is on the minus strand). VCF-style: chr11-71435764-C-T. GRCh37 (hg19) VCF-style: chr11-71146810-C-T.
Other names: c.1039G>A, p.Gly347Ser (NM_001163817.2); short protein forms G347S.
Identifiers: ClinVar variation 2137189 (VCV002137189.7), dbSNP rs2135940013, ClinGen allele CA381702314.

ClinVar aggregate classification (germline): Pathogenic/Likely pathogenic. Review status: criteria provided, multiple submitters, no conflicts (2 of 4 stars). 3 submissions from 3 submitters: Pathogenic (2); Likely pathogenic (1). Last evaluated 2026-01-30.

Conditions:
Smith-Lemli-Opitz syndrome (SLOS). Also called: LETHAL ACRODYSGENITAL SYNDROME; POLYDACTYLY, SEX REVERSAL, RENAL HYPOPLASIA, AND UNILOBAR LUNG; RSH SYNDROME; RUTLEDGE LETHAL MULTIPLE CONGENITAL ANOMALY SYNDROME; 7-Dehydrocholesterol reductase deficiency. Identifiers: Orphanet 818, MedGen C0175694, MONDO:0010035, OMIM 270400.

gnomAD v4.1: 5 of 1,610,022 alleles (0.00031%); highest among the groups gnomAD compares: Non-Finnish European, 0.00042%; no homozygotes.

Submissions (3):

Natera, Inc.
Classification: Likely pathogenic for Smith-Lemli-Opitz syndrome. Last evaluated: 2026-01-30. Review status: criteria provided, single submitter. Criteria: Natera Variant Classification Schema (03/2026). Collection method: clinical testing. Allele origin: germline.
Comment: The c.1039G>A variant in DHCR7 is a missense variant predicted to cause substitution of glycine to serine at amino acid 347. This variant is rare in the general population with a frequency below the threshold expected for the associated phenotype(s). This variant has been observed in one or more individuals affected with the associated recessive disease, as either homozygous or compound heterozygous with a second variant (PMID: 15776424, 33204589). Additionally, this variant has been observed to segregate in affected family members (PMID: 33204589). Computational prediction algorithms indicate this variant is likely to affect gene or protein function. Given the available evidence, this variant is classified as Likely Pathogenic.

GeneDx
Classification: Pathogenic. Last evaluated: 2024-12-26. Review status: criteria provided, single submitter. Criteria: GeneDx Variant Classification Process June 2021. Collection method: clinical testing. Allele origin: germline. Affected: yes.
Comment: Not observed at significant frequency in large population cohorts (gnomAD); In silico analysis supports that this missense variant has a deleterious effect on protein structure/function; This variant is associated with the following publications: (PMID: 33204589, 23042628, 15776424)

Labcorp Genetics (formerly Invitae), Labcorp
Classification: Pathogenic for Smith-Lemli-Opitz syndrome. Last evaluated: 2022-06-17. Review status: criteria provided, single submitter. Criteria: Invitae Variant Classification Sherloc (09022015). Collection method: clinical testing. Allele origin: germline.
Comment: Advanced modeling of protein sequence and biophysical properties (such as structural, functional, and spatial information, amino acid conservation, physicochemical variation, residue mobility, and thermodynamic stability) performed at Invitae indicates that this missense variant is expected to disrupt DHCR7 protein function. This missense change has been observed in individual(s) with Smith–Lemli–Opitz syndrome (PMID: 15776424, 33204589). In at least one individual the data is consistent with being in trans (on the opposite chromosome) from a pathogenic variant. It has also been observed to segregate with disease in related individuals. This variant is not present in population databases (gnomAD no frequency). This sequence change replaces glycine, which is neutral and non-polar, with serine, which is neutral and polar, at codon 347 of the DHCR7 protein (p.Gly347Ser). For these reasons, this variant has been classified as Pathogenic.

Literature cited by the submitters: PubMed 15776424 (cited by Natera, Inc. and Labcorp Genetics (formerly Invitae), Labcorp); PubMed 33204589 (cited by Natera, Inc. and Labcorp Genetics (formerly Invitae), Labcorp).